The following is an entry in ClinVar:

ClinVar aggregate classification (germline): Pathogenic (1 of 4 stars; one submission).

Conditions:
Neurofibromatosis, type 1 (NF1). Also called: Neurofibromatosis, type I; NEUROFIBROMATOSIS, TYPE I, SOMATIC; Peripheral type neurofibromatosis; VON RECKLINGHAUSEN DISEASE. Identifiers: Orphanet 636, MedGen C0027831, MONDO:0018975, OMIM 162200. Disease mechanism: loss of function.

Submission:

Labcorp Genetics (formerly Invitae), Labcorp
Classification: Pathogenic for Neurofibromatosis, type 1. Last evaluated: 2025-11-01. Review status: criteria provided, single submitter. Criteria: Invitae Variant Classification Sherloc (09022015). Collection method: clinical testing. Allele origin: germline.
Comment: This sequence change replaces arginine, which is basic and polar, with leucine, which is neutral and non-polar, at codon 1590 of the NF1 protein (p.Arg1590Leu). This variant is not present in population databases (gnomAD no frequency). This missense change has been observed in individual(s) with clinical features of neurofibromatosis type 1 (internal data). ClinVar contains an entry for this variant (Variation ID: 2045116). Invitae Evidence Modeling of protein sequence and biophysical properties (such as structural, functional, and spatial information, amino acid conservation, physicochemical variation, residue mobility, and thermodynamic stability) indicates that this missense variant is expected to disrupt NF1 protein function with a positive predictive value of 95%. This variant disrupts the p.Arg1590 amino acid residue in NF1. Other variant(s) that disrupt this residue have been determined to be pathogenic (PMID: 9298829, 21089070, 27322474, 29673180, 32575496). This suggests that this residue is clinically significant, and that variants that disrupt this residue are likely to be disease-causing. For these reasons, this variant has been classified as Pathogenic.

Literature cited by the submitters: PubMed 9298829; PubMed 21089070; PubMed 27322474; PubMed 29673180; PubMed 32575496.

NM_001042492.3(NF1):c.4832G>T (p.Arg1611Leu)

Gene: NF1 (neurofibromin 1; plus strand). Cytogenetic location: 17q11.2.
Variant type: single nucleotide variant.
Coding change: c.4832G>T on transcript NM_001042492.3 (MANE Select); coding-DNA position 4832, G replaced by T.
Protein change: p.Arg1611Leu; replaces arginine 1611 with leucine.
Molecular consequence: missense variant.
Genome position (GRCh38, 1-based): chr17:31,265,336, G>T. VCF-style: chr17-31265336-G-T. GRCh37 (hg19) VCF-style: chr17-29592354-G-T.
Other names: c.4769G>T, p.Arg1590Leu (NM_000267.4); short protein forms R1611L, R1590L.
Identifiers: ClinVar variation 2045116 (VCV002045116.4), dbSNP rs876659197, ClinGen allele CA399001385.